The following is an entry in ClinVar:

NM_001010874.5(TECRL):c.454A>C (p.Thr152Pro)

Gene: TECRL (trans-2,3-enoyl-CoA reductase like; minus strand). Cytogenetic location: 4q13.1.
Variant type: single nucleotide variant.
Coding change: c.454A>C on transcript NM_001010874.5 (MANE Select); coding-DNA position 454, A replaced by C.
Protein change: p.Thr152Pro; replaces threonine 152 with proline.
Molecular consequence: missense variant.
Genome position (GRCh38, 1-based): chr4:64,314,745, T>G on the plus strand (A>C on the coding strand, the complement: TECRL is on the minus strand). VCF-style: chr4-64314745-T-G. GRCh37 (hg19) VCF-style: chr4-65180463-T-G.
Other names: c.454A>C, p.Thr152Pro (NM_001363796.1); short protein forms T152P.
Identifiers: ClinVar variation 4890828 (VCV004890828.1).

ClinVar aggregate classification (germline): Uncertain significance (1 of 4 stars; one submission).

Conditions:
Catecholaminergic polymorphic ventricular tachycardia 3. Identifiers: Orphanet 3286, MedGen C3151463, MONDO:0013529, OMIM 614021.

Submission:

Helix
Classification: Uncertain significance for Catecholaminergic polymorphic ventricular tachycardia 3. Last evaluated: 2025-11-11. Review status: criteria provided, single submitter. Criteria: ACMG Guidelines, 2015. Collection method: clinical testing. Allele origin: germline. Inheritance: Autosomal recessive inheritance.
Comment: This variant (NM_001010874.5:c.454A>C p.Thr152Pro) results in the substitution of threonine with proline at codon 152 in the TECRL protein. It is a rare variant that is absent from the large gnomAD population database (v4.1). To our knowledge, this variant has not been reported in individuals with TECRL-related conditions in the published literature. In silico prediction from REVEL (PMID: 27666373) suggests that this variant may be benign. In conclusion, since the available evidence is limited, the clinical significance of this variant is unclear at this time. Therefore, it is classified as a Variant of Uncertain Significance.